The following is an entry in ClinVar:

ClinVar aggregate classification (germline): Uncertain significance. Review status: criteria provided, multiple submitters, no conflicts (2 of 4 stars). 2 submissions from 2 submitters: Uncertain significance (2). Last evaluated 2023-06-08.

Submissions (2):

Ambry Genetics
Classification: Uncertain significance. Last evaluated: 2023-06-08. Review status: criteria provided, single submitter. Criteria: Ambry Variant Classification Scheme 2023. Collection method: clinical testing. Allele origin: germline.
Comment: The c.169delG variant, located in coding exon 2 of the RECQL gene, results from a deletion of one nucleotide at nucleotide position 169, causing a translational frameshift with a predicted alternate stop codon (p.A57Qfs*46). This alteration is expected to result in loss of function by premature protein truncation or nonsense-mediated mRNA decay. The evidence for this gene-disease relationship is limited; therefore, the clinical significance of this alteration is unclear.

Labcorp Genetics (formerly Invitae), Labcorp
Classification: Uncertain significance. Last evaluated: 2022-12-17. Review status: criteria provided, single submitter. Criteria: Invitae Variant Classification Sherloc (09022015). Collection method: clinical testing. Allele origin: germline.
Comment: This sequence change creates a premature translational stop signal (p.Ala57Glnfs*46) in the RECQL gene. It is expected to result in an absent or disrupted protein product. However, the current clinical and genetic evidence is not sufficient to establish whether loss-of-function variants in RECQL cause disease. This variant is not present in population databases (gnomAD no frequency). This variant has not been reported in the literature in individuals affected with RECQL-related conditions. ClinVar contains an entry for this variant (Variation ID: 1004445). In summary, the available evidence is currently insufficient to determine the role of this variant in disease. Therefore, it has been classified as a Variant of Uncertain Significance.

NM_002907.4(RECQL):c.169del (p.Ala57fs)

Gene: RECQL (RecQ like helicase; minus strand). Cytogenetic location: 12p12.1.
Variant type: Deletion.
Coding change: c.169del on transcript NM_002907.4 (MANE Select); coding-DNA position 169, one base deleted (G; older notation c.169delG).
Protein change: p.Ala57fs; shifts the reading frame from alanine 57.
Molecular consequence: frameshift variant.
Genome position (GRCh38, 1-based): chr12:21,491,564, C deleted on the plus strand (G on the coding strand, the reverse complement: RECQL is on the minus strand); the first of 4 consecutive C bases (chr12:21,491,564-21,491,567); deleting any one gives the same sequence. VCF-style (leftmost placement, unchanged base first): chr12-21491563-GC-G. GRCh37 (hg19) VCF-style: chr12-21644497-GC-G.
Other names: c.169del, p.Ala57fs (NM_032941.3); short protein forms A57fs.
Identifiers: ClinVar variation 1004445 (VCV001004445.12), dbSNP rs1040950644, ClinGen allele CA233583863.